The following is an entry in ClinVar:

ClinVar aggregate classification (germline): Uncertain significance (1 of 4 stars; one submission).

Submission:

GeneDx
Classification: Uncertain significance. Last evaluated: 2026-03-15. Review status: criteria provided, single submitter. Criteria: GeneDx Variant Classification Process June 2021. Collection method: clinical testing. Allele origin: germline.
Comment: Not observed at significant frequency in large population cohorts (gnomAD); In silico analysis suggests that this missense variant does not alter protein structure/function; Has not been previously published as pathogenic or benign to our knowledge

NM_001039591.3(USP9X):c.1775G>A (p.Arg592Gln)

Gene: USP9X (ubiquitin specific peptidase 9 X-linked; plus strand). Cytogenetic location: Xp11.4.
Variant type: single nucleotide variant.
Coding change: c.1775G>A on transcript NM_001039591.3 (MANE Select); coding-DNA position 1775, G replaced by A.
Protein change: p.Arg592Gln; replaces arginine 592 with glutamine.
Molecular consequence: missense variant.
Genome position (GRCh38, 1-based): chrX:41,152,959, G>A. VCF-style: chrX-41152959-G-A. GRCh37 (hg19) VCF-style: chrX-41012212-G-A.
Other names: c.1775G>A, p.Arg592Gln (NM_001039590.3); c.1790G>A, p.Arg597Gln (NM_001410748.1, NM_001410749.1, NM_001437534.1); short protein forms R597Q, R592Q.
Identifiers: ClinVar variation 5009211 (VCV005009211.1).